The following is an entry in ClinVar:

ClinVar aggregate classification (germline): Likely benign. Review status: criteria provided, multiple submitters, no conflicts (2 of 4 stars). 2 submissions from 2 submitters: Likely benign (2). Last evaluated 2025-02-08.

Conditions:
POMC-related disorder. Also called: POMC-related condition; POMC-related disorders.

Allele frequency attached by ClinVar (database versions not stated): gnomAD 0.00001; TOPMed 0.00001; ExAC 0.00002; gnomAD exomes 0.00002; ESP Exome Variant Server 0.00015.
gnomAD v4.1: 24 of 1,613,990 alleles (0.0015%); highest among the groups gnomAD compares: African/African-American, 0.0027%; no homozygotes.

Submissions (2):

PreventionGenetics, part of Exact Sciences
Classification: Likely benign for POMC-related condition. Last evaluated: 2025-02-08. Review status: criteria provided, single submitter. Criteria: ACMG Guidelines, 2015. Collection method: clinical testing. Allele origin: germline.
Comment: This variant is classified as likely benign based on ACMG/AMP sequence variant interpretation guidelines (Richards et al. 2015 PMID: 25741868, with internal and published modifications).

Labcorp Genetics (formerly Invitae), Labcorp
Classification: Likely benign. Last evaluated: 2024-12-23. Review status: criteria provided, single submitter. Criteria: Invitae Variant Classification Sherloc (09022015). Collection method: clinical testing. Allele origin: germline.

NM_000939.4(POMC):c.117G>A (p.Thr39=)

Gene: POMC (proopiomelanocortin; minus strand). Cytogenetic location: 2p23.3.
Variant type: single nucleotide variant.
Coding change: c.117G>A on transcript NM_000939.4 (MANE Select); coding-DNA position 117, G replaced by A.
Protein change: p.Thr39=; no amino-acid change (threonine 39 retained).
Molecular consequence: synonymous variant.
Genome position (GRCh38, 1-based): chr2:25,164,656, C>T on the plus strand (G>A on the coding strand, the complement: POMC is on the minus strand). VCF-style: chr2-25164656-C-T. GRCh37 (hg19) VCF-style: chr2-25387525-C-T.
Other names: c.117G>A, p.Thr39= (NM_001035256.3, NM_001319204.2, NM_001319205.2).
Identifiers: ClinVar variation 2634319 (VCV002634319.4), dbSNP rs142715775, ClinGen allele CA1555399.
Genomic context (GRCh38, chr2:25,164,656, plus strand): 5'-TCCCATCTAATGTCTAAGCCAAGATGGCAGTCATGGCCCACGTACCAGCAGGTTGCTTTC[C>T]GTGGTGAGGTCCTGACACTGGCTGCTCTCCAGGCACCAGCCACGCACTTCCATGGAGGCC-3'
Protein context (NP_000930.1, residues 29-49): LESSQCQDLT[Thr39=]ESNLLECIRA